The following is an entry in ClinVar:

ClinVar aggregate classification (germline): Uncertain significance. Review status: criteria provided, multiple submitters, no conflicts (2 of 4 stars). 2 submissions from 2 submitters: Uncertain significance (2). Last evaluated 2025-12-22.

Conditions:
Inborn genetic diseases. Identifiers: MedGen C0950123, MeSH D030342.

Allele frequency attached by ClinVar (database versions not stated): gnomAD exomes 0.00001; TOPMed 0.00001.

Submissions (2):

Ambry Genetics
Classification: Uncertain significance for Inborn genetic diseases. Last evaluated: 2025-12-22. Review status: criteria provided, single submitter. Criteria: Ambry Variant Classification Scheme 2023. Collection method: clinical testing. Allele origin: germline.

Labcorp Genetics (formerly Invitae), Labcorp
Classification: Uncertain significance. Last evaluated: 2024-01-18. Review status: criteria provided, single submitter. Criteria: Invitae Variant Classification Sherloc (09022015). Collection method: clinical testing. Allele origin: germline.
Comment: This sequence change replaces asparagine, which is neutral and polar, with threonine, which is neutral and polar, at codon 54 of the GJB3 protein (p.Asn54Thr). This variant is not present in population databases (gnomAD no frequency). This variant has not been reported in the literature in individuals affected with GJB3-related conditions. Advanced modeling of protein sequence and biophysical properties (such as structural, functional, and spatial information, amino acid conservation, physicochemical variation, residue mobility, and thermodynamic stability) performed at Invitae indicates that this missense variant is expected to disrupt GJB3 protein function with a positive predictive value of 80%. In summary, the available evidence is currently insufficient to determine the role of this variant in disease. Therefore, it has been classified as a Variant of Uncertain Significance.

NM_024009.3(GJB3):c.161A>C (p.Asn54Thr)

Gene: GJB3 (gap junction protein beta 3; plus strand). Cytogenetic location: 1p34.3.
Variant type: single nucleotide variant.
Coding change: c.161A>C on transcript NM_024009.3 (MANE Select); coding-DNA position 161, A replaced by C.
Protein change: p.Asn54Thr; replaces asparagine 54 with threonine.
Molecular consequence: missense variant.
Genome position (GRCh38, 1-based): chr1:34,784,923, A>C. VCF-style: chr1-34784923-A-C. GRCh37 (hg19) VCF-style: chr1-35250524-A-C.
Other names: c.161A>C, p.Asn54Thr (NM_001005752.2); c.161A>C (NM_024009.2); short protein forms N54T.
Identifiers: ClinVar variation 2804435 (VCV002804435.4), dbSNP rs1640076800, ClinGen allele CA339311468.